The following is an entry in ClinVar:

ClinVar aggregate classification (germline): Benign/Likely benign. Review status: criteria provided, multiple submitters, no conflicts (2 of 4 stars). 6 submissions from 6 submitters: Benign (1); Likely benign (4). 1 of the submissions does not count toward it. Last evaluated 2026-03-01.

Conditions:
RIPK4-related disorder. Also called: RIPK4-related condition.
Bartsocas-Papas syndrome 1. Also called: Bartsocas-Papas syndrome; PTERYGIUM, POPLITEAL, LETHAL TYPE; MULTIPLE PTERYGIUM SYNDROME, ASLAN TYPE. Identifiers: Orphanet 1234, MedGen C1849718, MONDO:0009901, OMIM 263650.

Allele frequency attached by ClinVar (database versions not stated): 1000 Genomes Project 0.00160; 1000 Genomes Project 30x 0.00203; TOPMed 0.00420; gnomAD 0.00437 and 0.00492; ESP Exome Variant Server 0.00469; gnomAD exomes 0.00538 and 0.00540; ExAC 0.00561.
gnomAD v4.1: 8,525 of 1,608,500 alleles (0.53%); highest among the groups gnomAD compares: Middle Eastern, 1.1%; 42 homozygotes.

Submissions (6):

CeGaT Center for Human Genetics Tuebingen
Classification: Likely benign. Last evaluated: 2026-03-01. Review status: criteria provided, single submitter. Criteria: CeGaT Center For Human Genetics Tuebingen Variant Classification Criteria Version 2. Collection method: clinical testing. Allele origin: germline. Affected: yes. Observed: 1 variant allele.
Comment: RIPK4: BP4, BP7, BS2

Labcorp Genetics (formerly Invitae), Labcorp
Classification: Benign. Last evaluated: 2019-12-31. Review status: criteria provided, single submitter. Criteria: Invitae Variant Classification Sherloc (09022015). Collection method: clinical testing. Allele origin: germline.

Illumina Laboratory Services, Illumina
Classification: Likely benign for Bartsocas-Papas syndrome 1. Last evaluated: 2018-01-13. Review status: criteria provided, single submitter. Criteria: ICSL Variant Classification Criteria 13 December 2019. Collection method: clinical testing. Allele origin: germline.
Comment: This variant was observed in the ICSL laboratory as part of a predisposition screen in an ostensibly healthy population. It had not been previously curated by ICSL or reported in the Human Gene Mutation Database (HGMD: prior to June 1st, 2018), and was therefore a candidate for classification through an automated scoring system. Utilizing variant allele frequency, disease prevalence and penetrance estimates, and inheritance mode, an automated score was calculated to assess if this variant is too frequent to cause the disease. Based on the score and internal cut-off values, a variant classified as likely benign is not then subjected to further curation. The score for this variant resulted in a classification of likely benign for this disease.

Genomic Medicine Center of Excellence, King Faisal Specialist Hospital and Research Centre
Classification: Likely benign. Last evaluated: 2016-09-28. Review status: criteria provided, single submitter. Criteria: ACMG Guidelines, 2015. Collection method: research. Allele origin: germline. Affected: yes.

Breakthrough Genomics
Classification: Likely benign. Review status: criteria provided, single submitter. Criteria: ACMG Guidelines, 2015. Collection method: not provided. Allele origin: germline. Inheritance: Autosomal recessive inheritance. Affected: yes.

PreventionGenetics, part of Exact Sciences
Classification: Benign for RIPK4-related condition. Last evaluated: 2019-11-19. Review status: no assertion criteria provided. Collection method: clinical testing. Allele origin: germline. Not counted in ClinVar's aggregate classification.
Comment: This variant is classified as benign based on ACMG/AMP sequence variant interpretation guidelines (Richards et al. 2015 PMID: 25741868, with internal and published modifications).

NM_020639.3(RIPK4):c.1884C>T (p.Ser628=)

Gene: RIPK4 (receptor interacting serine/threonine kinase 4; minus strand). Cytogenetic location: 21q22.3.
Variant type: single nucleotide variant.
Coding change: c.1884C>T on transcript NM_020639.3 (MANE Select); coding-DNA position 1884, C replaced by T.
Protein change: p.Ser628=; no amino-acid change (serine 628 retained).
Molecular consequence: synonymous variant.
Genome position (GRCh38, 1-based): chr21:41,741,309, G>A on the plus strand (C>T on the coding strand, the complement: RIPK4 is on the minus strand). VCF-style: chr21-41741309-G-A. GRCh37 (hg19) VCF-style: chr21-43161469-G-A.
Identifiers: ClinVar variation 191165 (VCV000191165.16), dbSNP rs55812846, ClinGen allele CA236159.
Genomic context (GRCh38, chr21:41,741,309, plus strand): 5'-CCCCGTCTCCGCGGCCACGTGCAGGGGTGTCTGTGCCAGCAGGCTGCAGACGTTGACGTC[G>A]GAGCACAGGTCGATGAGGATGCGGGCCACGCGGTAGTGCCCGCGCTGTGCGGCCAGGTGC-3'
Protein context (NP_065690.2, residues 618-638): RVARILIDLC[Ser628=]DVNVCSLLAQ